The following is an entry in ClinVar:

ClinVar aggregate classification (germline): Likely benign (1 of 4 stars; one submission).

Conditions:
Hereditary retinoblastoma. Identifiers: Orphanet 357027, MedGen C0751483, MONDO:0018160.

gnomAD v4.1: 610 of 979,874 alleles (0.062%); highest among the groups gnomAD compares: African/African-American, 0.88%; 3 homozygotes.

Submission:

Ramesar Group, Division of Human Genetics, Institute of Infectious Diseases and Molecular Medicine, UCT/MRC Genomic and Precision Medicine Research Unit, University of Cape Town
Classification: Likely benign for Hereditary retinoblastoma. Last evaluated: 2025-09-17. Review status: criteria provided, single submitter. Criteria: ACMG Guidelines, 2015. Collection method: research. Allele origin: germline. Affected: no.
Comment: BP5 - Variant found in a patient with a different retinal disease; RB1 is not associated with the phenotype BP7 - A non-coding variant with no predicted effect on splicing (SpliceAI scores are negligible)

NM_000321.3(RB1):c.2490-94T>A

Gene: RB1 (RB transcriptional corepressor 1; plus strand). Cytogenetic location: 13q14.2.
Variant type: single nucleotide variant.
Coding change: c.2490-94T>A on transcript NM_000321.3 (MANE Select); 94 bases into the intron before coding-DNA position 2490, T replaced by A.
Molecular consequence: intron variant.
Genome position (GRCh38, 1-based): chr13:48,473,266, T>A. VCF-style: chr13-48473266-T-A. GRCh37 (hg19) VCF-style: chr13-49047402-T-A.
Other names: c.2490-94T>A (NM_001407165.1).
Identifiers: ClinVar variation 4759369 (VCV004759369.1), dbSNP rs4151608.